The following is an entry in ClinVar:

ClinVar aggregate classification (germline): Pathogenic (1 of 4 stars; one submission).

Conditions:
Familial adenomatous polyposis 1 (FAP1). Also called: POLYPOSIS, ADENOMATOUS INTESTINAL; FAMILIAL ADENOMATOUS POLYPOSIS 1, ATTENUATED. Identifiers: MedGen C2713442, MONDO:0021056, OMIM 175100. Disease mechanism: loss of function.

Submission:

Labcorp Genetics (formerly Invitae), Labcorp
Classification: Pathogenic for Familial adenomatous polyposis 1. Last evaluated: 2020-10-13. Review status: criteria provided, single submitter. Criteria: Invitae Variant Classification Sherloc (09022015). Collection method: clinical testing. Allele origin: germline.
Comment: For these reasons, this variant has been classified as Pathogenic. Loss-of-function variants in APC are known to be pathogenic (PMID: 17963004, 20685668). This variant has not been reported in the literature in individuals with APC-related conditions. This variant is not present in population databases (ExAC no frequency). This sequence change creates a premature translational stop signal (p.Pro439Serfs*3) in the APC gene. It is expected to result in an absent or disrupted protein product.

Literature cited by the submitters: PubMed 17963004; PubMed 20685668.

NM_000038.6(APC):c.1315_1319del (p.Pro439fs)

Gene: APC (APC regulator of Wnt signaling pathway; plus strand). Cytogenetic location: 5q22.2.
Variant type: Deletion.
Coding change: c.1315_1319del on transcript NM_000038.6 (MANE Select); coding-DNA positions 1315 to 1319, 5 bases deleted (CCAGC; older notation c.1315_1319delCCAGC).
Protein change: p.Pro439fs; shifts the reading frame from proline 439.
Molecular consequence: frameshift variant.
Genome position (GRCh38, 1-based): chr5:112,821,898-112,821,902, CCAGC deleted. VCF-style (leftmost placement, unchanged base first): chr5-112821897-GCCAGC-G. GRCh37 (hg19) VCF-style: chr5-112157594-GCCAGC-G.
Other names: c.1315_1319del, p.Pro439fs (NM_001127510.3, NM_001354895.2, NM_001354896.2); c.1261_1265del, p.Pro421fs (NM_001127511.3); c.1345_1349del, p.Pro449fs (NM_001354897.2); c.1240_1244del, p.Pro414fs (NM_001354898.2); c.1231_1235del, p.Pro411fs (NM_001354899.2); c.1138_1142del, p.Pro380fs (NM_001354900.2, NM_001354901.2); c.1042_1046del, p.Pro348fs (NM_001354902.2); c.1012_1016del, p.Pro338fs (NM_001354903.2); and 3 more; short protein forms P156fs, P279fs, P313fs, P338fs, P348fs, P380fs, P411fs, P414fs.
Identifiers: ClinVar variation 1071956 (VCV001071956.8), dbSNP rs2149791774, ClinGen allele CA2499217433.